The following is an entry in ClinVar:

ClinVar aggregate classification (germline): Pathogenic. Review status: criteria provided, multiple submitters, no conflicts (2 of 4 stars). 5 submissions from 5 submitters: Pathogenic (4). 1 of the submissions does not count toward it. Last evaluated 2025-03-10.

Conditions:
Retinal dystrophy. Also called: Inherited retinal dystrophy. Identifiers: Orphanet 71862, MedGen C0854723, MeSH D058499, MONDO:0019118, HP:0000556.
BEST1-related disorder. Also called: BEST1-related condition; BEST1-related disorders. Identifiers: MedGen CN239200.
Autosomal recessive bestrophinopathy. Also called: Autosomal Recessive Bestrophinopathy (ARB). Identifiers: Orphanet 139455, MedGen C3888198, MONDO:0012733, OMIM 611809.

Allele frequency attached by ClinVar (database versions not stated): gnomAD exomes below 0.00001; ExAC 0.00001.
gnomAD v4.1: 2 of 1,614,166 alleles (0.00012%); highest among the groups gnomAD compares: African/African-American, 0.0013%; no homozygotes.

Submissions (5):

3billion
Classification: Pathogenic for Autosomal recessive bestrophinopathy. Last evaluated: 2025-03-10. Review status: criteria provided, single submitter. Criteria: ACMG Guidelines, 2015. Collection method: clinical testing. Allele origin: germline. Affected: yes.
Comment: The variant is observed at an extremely low frequency in the gnomAD v4.1.0 dataset (total allele frequency: <0.001%). Predicted Consequence/Location: Missense variant In silico tool predictions suggest damaging effect of the variant on gene or gene product [REVEL: 0.70 (>=0.6, sensitivity 0.68 and specificity 0.92); 3Cnet: 0.87 (> 0.75, sensitivity 0.96 and precision 0.92)]. The same nucleotide change resulting in the same amino acid change has been previously reported as pathogenic/likely pathogenic with strong evidence (ClinVar ID: VCV001297719 / PMID: 30781664). The variant has been reported to co-segregate with the disease in at least one similarly affected relative/individual in the same family or similarly affected unrelated families (PMID: 30781664). A different missense change at the same codon (p.Pro468Gln) has been reported to be associated with BEST1-related disorder (ClinVar ID: VCV003249710). Therefore, this variant is classified as Pathogenic according to the recommendation of ACMG/AMP guideline.

Blueprint Genetics
Classification: Pathogenic for BEST1-related disorders. Last evaluated: 2023-09-01. Review status: criteria provided, single submitter. Criteria: ACMG Guidelines, 2015. Collection method: clinical testing. Allele origin: germline. Affected: yes. Observed: 4 variant alleles.

Labcorp Genetics (formerly Invitae), Labcorp
Classification: Pathogenic. Last evaluated: 2022-05-20. Review status: criteria provided, single submitter. Criteria: Invitae Variant Classification Sherloc (09022015). Collection method: clinical testing. Allele origin: germline.
Comment: This sequence change replaces proline, which is neutral and non-polar, with leucine, which is neutral and non-polar, at codon 468 of the BEST1 protein (p.Pro468Leu). This variant is present in population databases (rs747043918, gnomAD 0.007%). This missense change has been observed in individuals with autosomal recessive bestrophinopathy (PMID: 30781664). It has also been observed to segregate with disease in related individuals. ClinVar contains an entry for this variant (Variation ID: 1297719). Advanced modeling of protein sequence and biophysical properties (such as structural, functional, and spatial information, amino acid conservation, physicochemical variation, residue mobility, and thermodynamic stability) performed at Invitae indicates that this missense variant is expected to disrupt BEST1 protein function. For these reasons, this variant has been classified as Pathogenic.

Institute of Human Genetics, Univ. Regensburg, Univ. Regensburg
Classification: Pathogenic for Retinal dystrophy. Last evaluated: 2022-01-01. Review status: criteria provided, single submitter. Criteria: ACMG Guidelines, 2015. Collection method: clinical testing. Allele origin: germline. Affected: yes.

Clinical Genetics DNA and cytogenetics Diagnostics Lab, Erasmus MC, Erasmus Medical Center
Classification: Uncertain significance. Review status: no assertion criteria provided. Collection method: clinical testing. Allele origin: germline. Affected: yes. Study: VKGL Data-share Consensus. Not counted in ClinVar's aggregate classification.

Literature cited by the submitters: PubMed 30781664 (cited by 3 submitters).

NM_004183.4(BEST1):c.1403C>T (p.Pro468Leu)

Gene: BEST1 (bestrophin 1; plus strand). Cytogenetic location: 11q12.3.
Variant type: single nucleotide variant.
Coding change: c.1403C>T on transcript NM_004183.4 (MANE Select); coding-DNA position 1403, C replaced by T.
Protein change: p.Pro468Leu; replaces proline 468 with leucine.
Molecular consequence: missense variant. On other transcripts: non-coding transcript variant (1).
Genome position (GRCh38, 1-based): chr11:61,962,557, C>T. VCF-style: chr11-61962557-C-T. GRCh37 (hg19) VCF-style: chr11-61730029-C-T.
Other names: c.1223C>T, p.Pro408Leu (NM_001139443.3, NM_001300787.2); c.1142C>T, p.Pro381Leu (NM_001300786.2); c.1085C>T, p.Pro362Leu (NM_001363591.3); c.*298C>T (NM_001363592.2); c.431C>T, p.Pro144Leu (NM_001363593.3); short protein forms P144L, P362L, P381L, P408L, P468L.
Identifiers: ClinVar variation 1297719 (VCV001297719.11), dbSNP rs747043918, ClinGen allele CA6041052.